The following is an entry in ClinVar:

ClinVar aggregate classification (germline): Uncertain significance (1 of 4 stars; one submission).

Conditions:
Hereditary spastic paraplegia 28. Also called: Spastic paraplegia 28, autosomal recessive. Identifiers: Orphanet 101008, MedGen C1836295, MONDO:0012256, OMIM 609340.

Submission:

Labcorp Genetics (formerly Invitae), Labcorp
Classification: Uncertain significance for Hereditary spastic paraplegia 28. Last evaluated: 2022-10-28. Review status: criteria provided, single submitter. Criteria: Invitae Variant Classification Sherloc (09022015). Collection method: clinical testing. Allele origin: germline.
Comment: This variant, c.983_985del, results in the deletion of 1 amino acid(s) of the DDHD1 protein (p.Glu328del), but otherwise preserves the integrity of the reading frame. This variant is not present in population databases (gnomAD no frequency). This variant has not been reported in the literature in individuals affected with DDHD1-related conditions. ClinVar contains an entry for this variant (Variation ID: 1392993). Experimental studies and prediction algorithms are not available or were not evaluated, and the functional significance of this variant is currently unknown. In summary, the available evidence is currently insufficient to determine the role of this variant in disease. Therefore, it has been classified as a Variant of Uncertain Significance.

NM_001160148.2(DDHD1):c.983_985del (p.Glu328del)

Gene: DDHD1 (DDHD domain containing 1; minus strand). Cytogenetic location: 14q22.1.
Variant type: Deletion.
Coding change: c.983_985del on transcript NM_001160148.2 (MANE Select); coding-DNA positions 983 to 985, 3 bases deleted (AAG; older notation c.983_985delAAG).
Protein change: p.Glu328del; deletes glutamic acid 328.
Molecular consequence: inframe deletion.
Genome position (GRCh38, 1-based): chr14:53,103,710-53,103,712, CTT deleted on the plus strand (AAG on the coding strand, the reverse complement: DDHD1 is on the minus strand); deleting any 3 consecutive bases within chr14:53,103,710-53,103,713 gives the same sequence; the c. name uses the placement nearest the transcript's 3' end. VCF-style (leftmost placement, unchanged base first): chr14-53103709-ACTT-A. GRCh37 (hg19) VCF-style: chr14-53570427-ACTT-A.
Other names: c.983_985del, p.Glu328del (NM_001160147.2, NM_030637.3); short protein forms E328del.
Identifiers: ClinVar variation 1392993 (VCV001392993.5), dbSNP rs780662262, ClinGen allele CA7191366.